The following is an entry in ClinVar:

NM_006946.4(SPTBN2):c.6742T>C (p.Cys2248Arg)

Gene: SPTBN2 (spectrin beta, non-erythrocytic 2; minus strand). Cytogenetic location: 11q13.2.
Variant type: single nucleotide variant.
Coding change: c.6742T>C on transcript NM_006946.4 (MANE Select); coding-DNA position 6742, T replaced by C.
Protein change: p.Cys2248Arg; replaces cysteine 2248 with arginine.
Molecular consequence: missense variant.
Genome position (GRCh38, 1-based): chr11:66,687,148, A>G on the plus strand (T>C on the coding strand, the complement: SPTBN2 is on the minus strand). VCF-style: chr11-66687148-A-G. GRCh37 (hg19) VCF-style: chr11-66454619-A-G.
Other names: c.6763T>C, p.Cys2255Arg (NM_001411025.1); c.6742T>C, p.Cys2248Arg (NM_001437541.1); short protein forms C2248R, C2255R.
Identifiers: ClinVar variation 4682190 (VCV004682190.1).

ClinVar aggregate classification (germline): Uncertain significance (1 of 4 stars; one submission).

gnomAD v4.1: 1 of 1,613,998 alleles (0.000062%); highest among the groups gnomAD compares: Non-Finnish European, 0.000085%; no homozygotes.

Submission:

Athena Diagnostics
Classification: Uncertain significance. Last evaluated: 2025-11-05. Review status: criteria provided, single submitter. Criteria: Athena Diagnostics Criteria. Collection method: clinical testing. Allele origin: unknown.
Comment: Available data are insufficient to determine the clinical significance of the variant at this time. This variant has not been reported in large, multi-ethnic general populations. Polyphen and MutationTaster predict this amino acid change may be damaging to the protein.